The following is an entry in ClinVar:

ClinVar aggregate classification (germline): Conflicting classifications of pathogenicity. Review status: criteria provided, conflicting classifications (1 of 4 stars). 2 submissions from 2 submitters: Uncertain significance (1); Likely benign (1). Last evaluated 2024-10-14.

Allele frequency attached by ClinVar (database versions not stated): gnomAD exomes 0.00002 and 0.00008; gnomAD 0.00004; TOPMed 0.00004; ExAC 0.00010.
gnomAD v4.1: 39 of 1,613,988 alleles (0.0024%); highest among the groups gnomAD compares: Middle Eastern, 0.033%; no homozygotes.

Submissions (2):

Blueprint Genetics
Classification: Likely benign. Last evaluated: 2024-10-14. Review status: criteria provided, single submitter. Criteria: ACMG Guidelines, 2015. Collection method: clinical testing. Allele origin: germline.

Labcorp Genetics (formerly Invitae), Labcorp
Classification: Uncertain significance. Last evaluated: 2024-09-23. Review status: criteria provided, single submitter. Criteria: Invitae Variant Classification Sherloc (09022015). Collection method: clinical testing. Allele origin: germline.
Comment: This sequence change replaces arginine, which is basic and polar, with histidine, which is basic and polar, at codon 36 of the COX15 protein (p.Arg36His). This variant is present in population databases (rs763754710, gnomAD 0.03%). This variant has not been reported in the literature in individuals affected with COX15-related conditions. ClinVar contains an entry for this variant (Variation ID: 298421). An algorithm developed to predict the effect of missense changes on protein structure and function outputs the following: PolyPhen-2: "Benign". The histidine amino acid residue is found in multiple mammalian species, which suggests that this missense change does not adversely affect protein function. In summary, the available evidence is currently insufficient to determine the role of this variant in disease. Therefore, it has been classified as a Variant of Uncertain Significance.

NM_078470.6(COX15):c.107G>A (p.Arg36His)

Gene: COX15 (cytochrome c oxidase assembly factor COX15; minus strand). Cytogenetic location: 10q24.2.
Variant type: single nucleotide variant.
Coding change: c.107G>A on transcript NM_078470.6 (MANE Select); coding-DNA position 107, G replaced by A.
Protein change: p.Arg36His; replaces arginine 36 with histidine.
Molecular consequence: missense variant. On other transcripts: 5 prime UTR variant (1), non-coding transcript variant (1).
Genome position (GRCh38, 1-based): chr10:99,729,718, C>T on the plus strand (G>A on the coding strand, the complement: COX15 is on the minus strand). VCF-style: chr10-99729718-C-T. GRCh37 (hg19) VCF-style: chr10-101489475-C-T.
Other names: c.107G>A, p.Arg36His (NM_001320974.2, NM_001320975.2, NM_001372024.1 and 5 more transcripts); c.-348G>A (NM_001320976.2); short protein forms R36H.
Identifiers: ClinVar variation 298421 (VCV000298421.9), dbSNP rs763754710, ClinGen allele CA5642356.